The following is an entry in ClinVar:

ClinVar aggregate classification (germline): Uncertain significance (1 of 4 stars; one submission).

Conditions:
Alstrom syndrome (ALMS). Identifiers: Orphanet 64, MedGen C0268425, MONDO:0008763, OMIM 203800.

Submission:

Labcorp Genetics (formerly Invitae), Labcorp
Classification: Uncertain significance for Alstrom syndrome. Last evaluated: 2024-09-17. Review status: criteria provided, single submitter. Criteria: Invitae Variant Classification Sherloc (09022015). Collection method: clinical testing. Allele origin: germline.
Comment: This sequence change replaces lysine, which is basic and polar, with asparagine, which is neutral and polar, at codon 1902 of the ALMS1 protein (p.Lys1902Asn). This variant is not present in population databases (gnomAD no frequency). This variant has not been reported in the literature in individuals affected with ALMS1-related conditions. Experimental studies and prediction algorithms are not available or were not evaluated, and the functional significance of this variant is currently unknown. In summary, the available evidence is currently insufficient to determine the role of this variant in disease. Therefore, it has been classified as a Variant of Uncertain Significance.

NM_001378454.1(ALMS1):c.5703G>T (p.Lys1901Asn)

Gene: ALMS1 (ALMS1 centrosome and basal body associated protein; plus strand). Cytogenetic location: 2p13.1.
Variant type: single nucleotide variant.
Coding change: c.5703G>T on transcript NM_001378454.1 (MANE Select); coding-DNA position 5703, G replaced by T.
Protein change: p.Lys1901Asn; replaces lysine 1901 with asparagine.
Molecular consequence: missense variant.
Genome position (GRCh38, 1-based): chr2:73,452,230, G>T. VCF-style: chr2-73452230-G-T. GRCh37 (hg19) VCF-style: chr2-73679357-G-T.
Other names: c.5706G>T, p.Lys1902Asn (NM_015120.4); short protein forms K1901N, K1902N.
Identifiers: ClinVar variation 3608999 (VCV003608999.2).
Genomic context (GRCh38, chr2:73,452,230, plus strand): 5'-TGCTGACCAGAAGACTGGGATACAAATAGCATCCTCTAGTTCCTACTCAAATAGAGAGAA[G>T]GCCAGTATTTTTCATCAGCAGGAGTTGCCAGATGTTACTGAAGAAGCTTTAAATGTTTTT-3'
Protein context (NP_001365383.1, residues 1891-1911): ASSSSYSNRE[Lys1901Asn]ASIFHQQELP